The following is an entry in ClinVar:

ClinVar aggregate classification (germline): Uncertain significance (1 of 4 stars; one submission).

Conditions:
Congenital myasthenic syndrome 2A. Also called: Myasthenic syndrome, congenital, 2a, slow-channel. Identifiers: Orphanet 590, MedGen C4225374, MONDO:0014581, OMIM 616313.

Submission:

Labcorp Genetics (formerly Invitae), Labcorp
Classification: Uncertain significance for Congenital myasthenic syndrome 2A. Last evaluated: 2022-02-24. Review status: criteria provided, single submitter. Criteria: Invitae Variant Classification Sherloc (09022015). Collection method: clinical testing. Allele origin: germline.
Comment: This variant is not present in population databases (gnomAD no frequency). This variant has not been reported in the literature in individuals affected with CHRNB1-related conditions. ClinVar contains an entry for this variant (Variation ID: 1045635). Algorithms developed to predict the effect of missense changes on protein structure and function are either unavailable or do not agree on the potential impact of this missense change (SIFT: "Deleterious"; PolyPhen-2: "Benign"; Align-GVGD: "Class C0"). In summary, the available evidence is currently insufficient to determine the role of this variant in disease. Therefore, it has been classified as a Variant of Uncertain Significance. This sequence change replaces glutamine, which is neutral and polar, with proline, which is neutral and non-polar, at codon 62 of the CHRNB1 protein (p.Gln62Pro).

NM_000747.3(CHRNB1):c.185A>C (p.Gln62Pro)

Gene: CHRNB1 (cholinergic receptor nicotinic beta 1 subunit; plus strand). Cytogenetic location: 17p13.1.
Variant type: single nucleotide variant.
Coding change: c.185A>C on transcript NM_000747.3 (MANE Select); coding-DNA position 185, A replaced by C.
Protein change: p.Gln62Pro; replaces glutamine 62 with proline.
Molecular consequence: missense variant.
Genome position (GRCh38, 1-based): chr17:7,445,396, A>C. VCF-style: chr17-7445396-A-C. GRCh37 (hg19) VCF-style: chr17-7348715-A-C.
Other names: short protein forms Q62P.
Identifiers: ClinVar variation 1045635 (VCV001045635.8), dbSNP rs1908562302, ClinGen allele CA397787628.